The following is an entry in ClinVar:

NM_014363.6(SACS):c.8541T>C (p.Leu2847=)

Gene: SACS (sacsin molecular chaperone; minus strand). Cytogenetic location: 13q12.12.
Variant type: single nucleotide variant.
Coding change: c.8541T>C on transcript NM_014363.6 (MANE Select); coding-DNA position 8541, T replaced by C.
Protein change: p.Leu2847=; no amino-acid change (leucine 2847 retained).
Molecular consequence: synonymous variant.
Genome position (GRCh38, 1-based): chr13:23,335,335, A>G on the plus strand (T>C on the coding strand, the complement: SACS is on the minus strand). VCF-style: chr13-23335335-A-G. GRCh37 (hg19) VCF-style: chr13-23909474-A-G.
Other names: c.8100T>C, p.Leu2700= (NM_001278055.2).
Identifiers: ClinVar variation 1602452 (VCV001602452.25), dbSNP rs546729483, ClinGen allele CA246654178.

ClinVar aggregate classification (germline): Likely benign. Review status: criteria provided, multiple submitters, no conflicts (2 of 4 stars). 2 submissions from 2 submitters: Likely benign (2). Last evaluated 2024-07-01.

Conditions:
Spastic paraplegia. Identifiers: MedGen C0037772, HP:0001258.

Allele frequency attached by ClinVar (database versions not stated): gnomAD exomes below 0.00001; gnomAD 0.00001.
gnomAD v4.1: 3 of 1,613,952 alleles (0.00019%); highest among the groups gnomAD compares: East Asian, 0.0022%; no homozygotes.

Submissions (2):

CeGaT Center for Human Genetics Tuebingen
Classification: Likely benign. Last evaluated: 2024-07-01. Review status: criteria provided, single submitter. Criteria: CeGaT Center For Human Genetics Tuebingen Variant Classification Criteria Version 2. Collection method: clinical testing. Allele origin: germline. Affected: yes. Observed: 1 variant allele.
Comment: SACS: BP4, BP7

Labcorp Genetics (formerly Invitae), Labcorp
Classification: Likely benign for Spastic paraplegia. Last evaluated: 2022-07-06. Review status: criteria provided, single submitter. Criteria: Invitae Variant Classification Sherloc (09022015). Collection method: clinical testing. Allele origin: germline.